The following is an entry in ClinVar:

ClinVar aggregate classification (germline): Conflicting classifications of pathogenicity. Review status: criteria provided, conflicting classifications (1 of 4 stars). 6 submissions from 3 submitters: Uncertain significance (4); Benign (1); Likely benign (1). Last evaluated 2025-09-27.

Conditions:
Transitory neonatal diabetes mellitus. Also called: Transient neonatal diabetes mellitus. Identifiers: MedGen C0342273, MONDO:0020525, HP:0008255.
Maturity-onset diabetes of the young (MODY). Also called: Maturity onset diabetes mellitus in young. Identifiers: Orphanet 552, MedGen C0342276, MONDO:0018911, HP:0004904.
Hyperinsulinemic hypoglycemia, familial, 1 (HHF1). Also called: Persistent hyperinsulinemic hypoglycemia of infancy; HYPERINSULINISM, FAMILIAL, WITH PANCREATIC NESIDIOBLASTOSIS; HYPOGLYCEMIA, HYPERINSULINEMIC, OF INFANCY; NESIDIOBLASTOSIS OF PANCREAS; Persistent Hyperinsulinemia Hypoglycemia of Infancy. Identifiers: Orphanet 276575, Orphanet 276598, MedGen C2931832, MONDO:0009734, OMIM 256450.
Permanent neonatal diabetes mellitus (PNDM). Identifiers: Orphanet 99885, MedGen C1833104, MONDO:0100164, MONDO:0011643. Disease mechanism: gain of function.
Diabetes mellitus, transient neonatal, 2 (TNDM2). Identifiers: Orphanet 99886, MedGen C1835887, MONDO:0012480, OMIM 610374. Disease mechanism: loss of function.

Allele frequency attached by ClinVar (database versions not stated): gnomAD exomes 0.00005 and 0.00021; ESP Exome Variant Server 0.00008; TOPMed 0.00009; gnomAD 0.00011; 1000 Genomes Project 30x 0.00016; 1000 Genomes Project 0.00020; ExAC 0.00024.
gnomAD v4.1: 88 of 1,613,936 alleles (0.0055%); highest among the groups gnomAD compares: East Asian, 0.11%; 1 homozygote.

Submissions (6):

Labcorp Genetics (formerly Invitae), Labcorp
Classification: Likely benign. Last evaluated: 2025-09-27. Review status: criteria provided, single submitter. Criteria: Invitae Variant Classification Sherloc (09022015). Collection method: clinical testing. Allele origin: germline.

Illumina Laboratory Services, Illumina
Classification: Uncertain significance for Permanent neonatal diabetes mellitus 1. Last evaluated: 2018-01-12. Review status: criteria provided, single submitter. Criteria: ICSL Variant Classification Criteria 13 December 2019. Collection method: clinical testing. Allele origin: germline.

Illumina Laboratory Services, Illumina
Classification: Benign for Diabetes mellitus, transient neonatal, 2. Last evaluated: 2018-01-12. Review status: criteria provided, single submitter. Criteria: ICSL Variant Classification Criteria 13 December 2019. Collection method: clinical testing. Allele origin: germline.
Comment: This variant was observed in the ICSL laboratory as part of a predisposition screen in an ostensibly healthy population. It had not been previously curated by ICSL or reported in the Human Gene Mutation Database (HGMD: prior to June 1st, 2018), and was therefore a candidate for classification through an automated scoring system. Utilizing variant allele frequency, disease prevalence and penetrance estimates, and inheritance mode, an automated score was calculated to assess if this variant is too frequent to cause the disease. Based on the score and internal cut-off values, a variant classified as benign is not then subjected to further curation. The score for this variant resulted in a classification of benign for this disease.

Illumina Laboratory Services, Illumina
Classification: Uncertain significance for Hyperinsulinemic hypoglycemia, familial, 1. Last evaluated: 2018-01-12. Review status: criteria provided, single submitter. Criteria: ICSL Variant Classification Criteria 13 December 2019. Collection method: clinical testing. Allele origin: germline.

Clinical Genomics, Uppaluri K&H Personalized Medicine Clinic
Classification: Uncertain significance for Transitory neonatal diabetes mellitus. Review status: criteria provided, single submitter. Criteria: K & H Uppaluri Personalized Medicine Clinic Variant Classification & Assertion Criteria_Updated V.1. Collection method: research. Allele origin: unknown. Inheritance: Somatic mutation.
Comment: Mutations in ABCC8 gene are associated with both neonatal diabetes mellitus as well as MODY. Patients with this mutation may have a better response to sulfonylureas. However, no sufficient evidence is found to ascertain the role of this particular variant (rs150316347) in neonatal diabetes yet.

Clinical Genomics, Uppaluri K&H Personalized Medicine Clinic
Classification: Uncertain significance for Maturity-onset diabetes of the young. Review status: criteria provided, single submitter. Criteria: K & H Uppaluri Personalized Medicine Clinic Variant Classification & Assertion Criteria_Updated V.1. Collection method: research. Allele origin: unknown. Inheritance: Somatic mutation.
Comment: Mutations in ABCC8 gene are associated with both neonatal diabetes mellitus as well as MODY. Patients with this mutation may have a better response to sulfonylureas. However, no sufficient evidence is found to ascertain the role of this particular variant (rs150316347) in MODY yet.

Literature cited by the submitters: PubMed 16885549 (cited by Clinical Genomics, Uppaluri K&H Personalized Medicine Clinic); PubMed 21989597 (cited by Clinical Genomics, Uppaluri K&H Personalized Medicine Clinic); PubMed 27538677 (cited by Clinical Genomics, Uppaluri K&H Personalized Medicine Clinic); PubMed 18981553 (cited by Clinical Genomics, Uppaluri K&H Personalized Medicine Clinic); PubMed 32027066 (cited by Clinical Genomics, Uppaluri K&H Personalized Medicine Clinic); PubMed 16613899 (cited by Clinical Genomics, Uppaluri K&H Personalized Medicine Clinic); PubMed 18025408 (cited by Clinical Genomics, Uppaluri K&H Personalized Medicine Clinic); PubMed 32792356 (cited by Clinical Genomics, Uppaluri K&H Personalized Medicine Clinic).

NM_000352.6(ABCC8):c.2060C>T (p.Thr687Met)

Gene: ABCC8 (ATP binding cassette subfamily C member 8; minus strand). Cytogenetic location: 11p15.1.
Variant type: single nucleotide variant.
Coding change: c.2060C>T on transcript NM_000352.6 (MANE Select); coding-DNA position 2060, C replaced by T.
Protein change: p.Thr687Met; replaces threonine 687 with methionine.
Molecular consequence: missense variant. On other transcripts: non-coding transcript variant (1).
Genome position (GRCh38, 1-based): chr11:17,427,923, G>A on the plus strand (C>T on the coding strand, the complement: ABCC8 is on the minus strand). VCF-style: chr11-17427923-G-A. GRCh37 (hg19) VCF-style: chr11-17449470-G-A.
Other names: c.2060C>T, p.Thr687Met (NM_001287174.3); c.2126C>T, p.Thr709Met (NM_001351295.2); c.2057C>T, p.Thr686Met (NM_001351296.2, NM_001351297.2); short protein forms T687M, T686M, T709M.
Identifiers: ClinVar variation 303777 (VCV000303777.16), dbSNP rs150316347, ClinGen allele CA5903318.